The following is an entry in ClinVar:

NC_000003.11:g.(?_50378802)_(50471880_?)del

Genes: CACNA2D2 (calcium voltage-gated channel auxiliary subunit alpha2delta 2; minus strand), CYB561D2 (cytochrome b561 family member D2; plus strand), NPRL2 (NPR2 like, GATOR1 complex subunit; minus strand), TMEM115 (transmembrane protein 115; minus strand), ZMYND10 (zinc finger MYND-type containing 10; minus strand). Cytogenetic location: 3p21.31.
Variant type: Deletion.
Identifiers: ClinVar variation 2425465 (VCV002425465.4).

ClinVar aggregate classification (germline): Uncertain significance (1 of 4 stars; one submission).

Conditions:
Developmental and epileptic encephalopathy. Identifiers: MedGen C5779964, MONDO:0100620.

Submission:

Labcorp Genetics (formerly Invitae), Labcorp
Classification: Uncertain significance for Early-infantile DEE. Last evaluated: 2022-08-16. Review status: criteria provided, single submitter. Criteria: Invitae Variant Classification Sherloc (09022015). Collection method: clinical testing. Allele origin: germline.
Comment: In summary, the available evidence is currently insufficient to determine the role of this variant in disease. Therefore, it has been classified as a Variant of Uncertain Significance. This variant disrupts a region of the CACNA2D2 protein in which other variant(s) (p.Leu1046Pro) have been observed in individuals with CACNA2D2-related conditions (PMID: 30410802). This suggests that this is a clinically significant region of the protein, and that variants that disrupt it are likely to be disease-causing. Experimental studies and prediction algorithms are not available or were not evaluated, and the functional significance of this variant is currently unknown. This variant has not been reported in the literature in individuals affected with CACNA2D2-related conditions. This variant is a gross deletion of the genomic region encompassing exon(s) 3-38 of the CACNA2D2 gene, which includes the termination codon. This deletion extends beyond the assayed region for this gene and therefore may encompass additional genes. While this deletion is not anticipated to lead to nonsense mediated decay, it is expected to alter mRNA translation or result in a truncated protein product.

Literature cited by the submitters: PubMed 30410802.